The following is an entry in ClinVar:

NM_130837.3(OPA1):c.841C>T (p.Gln281Ter)

Gene: OPA1 (OPA1 mitochondrial dynamin like GTPase; plus strand). Cytogenetic location: 3q29.
Variant type: single nucleotide variant.
Coding change: c.841C>T on transcript NM_130837.3 (MANE Select); coding-DNA position 841, C replaced by T.
Protein change: p.Gln281Ter; replaces glutamine 281 with a stop codon.
Molecular consequence: nonsense.
Genome position (GRCh38, 1-based): chr3:193,631,663, C>T. VCF-style: chr3-193631663-C-T. GRCh37 (hg19) VCF-style: chr3-193349452-C-T.
Other names: c.307C>T, p.Gln103Ter (NM_001354663.2); c.304C>T, p.Gln102Ter (NM_001354664.2); c.676C>T, p.Gln226Ter (NM_015560.3); c.568C>T, p.Gln190Ter (NM_130831.3); c.622C>T, p.Gln208Ter (NM_130832.3); c.679C>T, p.Gln227Ter (NM_130833.3); c.730C>T, p.Gln244Ter (NM_130834.3); c.733C>T, p.Gln245Ter (NM_130835.3); and 1 more; short protein forms Q102*, Q103*, Q190*, Q208*, Q226*, Q227*, Q244*, Q245*.
Identifiers: ClinVar variation 3900117 (VCV003900117.1).

ClinVar aggregate classification (germline): Likely pathogenic (1 of 4 stars; one submission).

Submission:

GeneDx
Classification: Likely pathogenic. Last evaluated: 2024-11-24. Review status: criteria provided, single submitter. Criteria: GeneDx Variant Classification Process June 2021. Collection method: clinical testing. Allele origin: germline. Affected: yes.
Comment: Nonsense variant predicted to result in protein truncation or nonsense mediated decay in a gene for which loss of function is a known mechanism of disease; Not observed at significant frequency in large population cohorts (gnomAD); Has not been previously published as pathogenic or benign to our knowledge